The following is an entry in ClinVar:

ClinVar aggregate classification (germline): Pathogenic (1 of 4 stars; one submission).

Conditions:
VPS13A-related neurodegenerative disease. Also called: ACANTHOCYTOSIS WITH NEUROLOGIC DISORDER; LEVINE-CRITCHLEY SYNDROME; Choreoacanthocytosis; Chorea-acanthocytosis; Choreaacanthocytosis; VPS13A Disease. Identifiers: Orphanet 2388, MedGen C0393576, MONDO:0008695, OMIM 200150.

Submission:

Myriad Genetics, Inc.
Classification: Pathogenic for VPS13A-related neurodegenerative disease. Last evaluated: 2024-05-14. Review status: criteria provided, single submitter. Criteria: Myriad Autosomal Dominant, Autosomal Recessive and X-Linked Classification Criteria (2023). Collection method: clinical testing. Allele origin: unknown.
Comment: NM_033305.2(VPS13A):c.1107_1108ins17(K370Rfs*10) is expected to be pathogenic in the context of VPS13A disease. This variant is predicted to lead to an abnormal or absent protein product due to the creation of a premature termination codon in VPS13A, a gene where loss-of-function variants are known to be pathogenic. Please note: this variant was assessed in the context of healthy population screening.

NM_033305.3(VPS13A):c.1107_1108insCGATCACAGATGTGTAT (p.Lys370fs)

Gene: VPS13A (vacuolar protein sorting 13 homolog A; plus strand). Cytogenetic location: 9q21.2.
Variant type: Insertion.
Coding change: c.1107_1108insCGATCACAGATGTGTAT on transcript NM_033305.3 (MANE Select); coding-DNA positions 1107 to 1108, CGATCACAGATGTGTAT inserted.
Protein change: p.Lys370fs; shifts the reading frame from lysine 370.
Molecular consequence: frameshift variant.
Genome position: GRCh38 VCF-style: chr9-77221297-C-CTGTATCGATCACAGATG. GRCh37 (hg19) VCF-style: chr9-79836213-C-CTGTATCGATCACAGATG.
Other names: c.1107_1108insCGATCACAGATGTGTAT, p.Lys370fs (NM_001018037.2, NM_001018038.3, NM_015186.4); short protein forms K370fs.
Identifiers: ClinVar variation 5010803 (VCV005010803.1).
Genomic context (GRCh38, chr9:77,221,297, plus strand): 5'-TGGATGTGGTCATGGAAGCATATTAGAAAACATAGGCAAAAAGTGAAGCAATATAAAGAA[C>CTGTATCGATCACAGATG]TGTATAAAAAAAAGTTAACAAGTAAGAAGCCACCTGGTGAACTTCTCGTGTCTTTGGAGG-3'